The following is an entry in ClinVar:

NM_032806.6(POMGNT2):c.703G>T (p.Gly235Cys)

Gene: POMGNT2 (protein O-linked mannose N-acetylglucosaminyltransferase 2 (beta 1,4-); minus strand). Cytogenetic location: 3p22.1.
Variant type: single nucleotide variant.
Coding change: c.703G>T on transcript NM_032806.6 (MANE Select); coding-DNA position 703, G replaced by T.
Protein change: p.Gly235Cys; replaces glycine 235 with cysteine.
Molecular consequence: missense variant.
Genome position (GRCh38, 1-based): chr3:43,080,729, C>A on the plus strand (G>T on the coding strand, the complement: POMGNT2 is on the minus strand). VCF-style: chr3-43080729-C-A. GRCh37 (hg19) VCF-style: chr3-43122221-C-A.
Other names: short protein forms G235C.
Identifiers: ClinVar variation 2584946 (VCV002584946.1), dbSNP rs2089843888, ClinGen allele CA352302690.

ClinVar aggregate classification (germline): Uncertain significance (1 of 4 stars; one submission).

Conditions:
Muscular dystrophy-dystroglycanopathy (congenital with brain and eye anomalies), type a, 8 (MDDGA8). Also called: WALKER-WARBURG SYNDROME OR MUSCLE-EYE-BRAIN DISEASE, GTDC2-RELATED. Identifiers: Orphanet 899, MedGen C3553813, MONDO:0013904, OMIM 614830.

Submission:

Neuberg Centre For Genomic Medicine, NCGM
Classification: Uncertain significance for Muscular dystrophy-dystroglycanopathy (congenital with brain and eye anomalies), type a, 8. Review status: criteria provided, single submitter. Criteria: ACMG Guidelines, 2015. Collection method: clinical testing. Allele origin: germline. Inheritance: Autosomal recessive inheritance. Affected: yes.
Comment: The missense variant in c.703G>T in POMGNT2 gene has not been reported previously as a pathogenic variant nor as a benign variant, to our knowledge. The p.Gly235Cys variant is novel (not in any individuals) in gnomAD Exomes and 1000 Genomes. This variant has not been reported to the ClinVar database. The amino acid change p.Gly235Cys in POMGNT2 is predicted as conserved by GERP++ and PhyloP across 100 vertebrates. The amino acid Gly at position 235 is changed to a Cys changing protein sequence and it might alter its composition and physico-chemical properties. For these reasons, this variant has been classified as Uncertain Significance (VUS).